The following is an entry in ClinVar:

NM_000834.5(GRIN2B):c.3980A>G (p.Lys1327Arg)

Gene: GRIN2B (glutamate ionotropic receptor NMDA type subunit 2B; minus strand). Cytogenetic location: 12p13.1.
Variant type: single nucleotide variant.
Coding change: c.3980A>G on transcript NM_000834.5 (MANE Select); coding-DNA position 3980, A replaced by G.
Protein change: p.Lys1327Arg; replaces lysine 1327 with arginine.
Molecular consequence: missense variant.
Genome position (GRCh38, 1-based): chr12:13,563,258, T>C on the plus strand (A>G on the coding strand, the complement: GRIN2B is on the minus strand). VCF-style: chr12-13563258-T-C. GRCh37 (hg19) VCF-style: chr12-13716192-T-C.
Other names: short protein forms K1327R.
Identifiers: ClinVar variation 3749356 (VCV003749356.3), dbSNP rs780293991.

ClinVar aggregate classification (germline): Uncertain significance. Review status: criteria provided, multiple submitters, no conflicts (2 of 4 stars). 2 submissions from 2 submitters: Uncertain significance (2). Last evaluated 2025-04-08.

Conditions:
Developmental and epileptic encephalopathy, 27 (DEE27). Also called: Epileptic encephalopathy, early infantile, 27; GRIN2B-Related Neurodevelopmental Disorder. Identifiers: Orphanet 3451, MedGen C4015316, MONDO:0014505, OMIM 616139.
Intellectual developmental disorder, autosomal dominant 6, with or without seizures. Also called: Intellectual disability, autosomal dominant 6; GRIN2B-related developmental delay, intellectual disability and autism spectrum disorder. Identifiers: Orphanet 589547, MedGen C3151411, MONDO:0013509, OMIM 613970.
Inborn genetic diseases. Identifiers: MedGen C0950123, MeSH D030342.

gnomAD v4.1: 7 of 1,614,102 alleles (0.00043%); highest among the groups gnomAD compares: East Asian, 0.0022%; no homozygotes.

Submissions (2):

Ambry Genetics
Classification: Uncertain significance for Inborn genetic diseases. Last evaluated: 2025-04-08. Review status: criteria provided, single submitter. Criteria: Ambry Variant Classification Scheme 2023. Collection method: clinical testing. Allele origin: germline.

Labcorp Genetics (formerly Invitae), Labcorp
Classification: Uncertain significance for Developmental and epileptic encephalopathy, 27; Intellectual developmental disorder, autosomal dominant 6, with or without seizures. Last evaluated: 2024-12-28. Review status: criteria provided, single submitter. Criteria: Invitae Variant Classification Sherloc (09022015). Collection method: clinical testing. Allele origin: germline.
Comment: This sequence change replaces lysine, which is basic and polar, with arginine, which is basic and polar, at codon 1327 of the GRIN2B protein (p.Lys1327Arg). This variant is present in population databases (rs780293991, gnomAD 0.004%). This variant has not been reported in the literature in individuals affected with GRIN2B-related conditions. Invitae Evidence Modeling of protein sequence and biophysical properties (such as structural, functional, and spatial information, amino acid conservation, physicochemical variation, residue mobility, and thermodynamic stability) indicates that this missense variant is not expected to disrupt GRIN2B protein function with a negative predictive value of 95%. In summary, the available evidence is currently insufficient to determine the role of this variant in disease. Therefore, it has been classified as a Variant of Uncertain Significance.